The following is an entry in ClinVar:

ClinVar aggregate classification (germline): Uncertain significance (1 of 4 stars; one submission).

Conditions:
Inborn genetic diseases. Identifiers: MedGen C0950123, MeSH D030342.

gnomAD v4.1: 1 of 1,613,284 alleles (0.000062%); highest among the groups gnomAD compares: Non-Finnish European, 0.000085%; no homozygotes.

Submission:

Ambry Genetics
Classification: Uncertain significance for Inborn genetic diseases. Last evaluated: 2016-05-14. Review status: criteria provided, single submitter. Criteria: Ambry Variant Classification Scheme 2023. Collection method: clinical testing. Allele origin: germline.
Comment: The p.E1539G variant (also known as c.4616A>G), located in coding exon 7 of the ANKRD11 gene, results from an A to G substitution at nucleotide position 4616. The glutamic acid at codon 1539 is replaced by glycine, an amino acid with similar properties. This variant was not reported in population based cohorts in the following databases: Database of Single Nucleotide Polymorphisms (dbSNP), NHLBI Exome Sequencing Project (ESP), and 1000 Genomes Project. In the ESP, this variant was not observed in 6498 samples (12996 alleles) with coverage at this position. This amino acid position is not well conserved in available vertebrate species. In addition, this alteration is predicted to be tolerated by in silico analysis. Since supporting evidence is limited at this time, the clinical significance of this alteration remains unclear.

NM_013275.6(ANKRD11):c.4616A>G (p.Glu1539Gly)

Gene: ANKRD11 (ankyrin repeat domain containing 11; minus strand). Cytogenetic location: 16q24.3.
Variant type: single nucleotide variant.
Coding change: c.4616A>G on transcript NM_013275.6 (MANE Select); coding-DNA position 4616, A replaced by G.
Protein change: p.Glu1539Gly; replaces glutamic acid 1539 with glycine.
Molecular consequence: missense variant.
Genome position (GRCh38, 1-based): chr16:89,281,926, T>C on the plus strand (A>G on the coding strand, the complement: ANKRD11 is on the minus strand). VCF-style: chr16-89281926-T-C. GRCh37 (hg19) VCF-style: chr16-89348334-T-C.
Other names: c.4616A>G, p.Glu1539Gly (NM_001256182.2, NM_001256183.2); short protein forms E1539G.
Identifiers: ClinVar variation 589275 (VCV000589275.5), dbSNP rs751369171, ClinGen allele CA397157186.
Genomic context (GRCh38, chr16:89,281,926, plus strand): 5'-TTGGATGGCGCTACCTTATCATTCCCGTTGCTCATCTTCACTGGGTCGCCCTTTTCTTTC[T>C]CTGCACCGTCCTTGAATTTCTCCTTCAGTTTGGCATCGCCGAGCCTCGGGCCCTCGTCCC-3'
Protein context (NP_037407.4, residues 1529-1549): KLKEKFKDGA[Glu1539Gly]KEKGDPVKMS